The following is an entry in ClinVar:

ClinVar aggregate classification (germline): Uncertain significance (1 of 4 stars; one submission).

Conditions:
Renal cell carcinoma. Identifiers: Orphanet 217071, MedGen C0007134, MeSH D002292, MONDO:0005086, HP:0005584.

Submission:

Labcorp Genetics (formerly Invitae), Labcorp
Classification: Uncertain significance for Renal cell carcinoma. Last evaluated: 2025-10-27. Review status: criteria provided, single submitter. Criteria: Invitae Variant Classification Sherloc (09022015). Collection method: clinical testing. Allele origin: germline.
Comment: This sequence change replaces lysine, which is basic and polar, with arginine, which is basic and polar, at codon 544 of the MET protein (p.Lys544Arg). This variant is not present in population databases (gnomAD no frequency). This variant has not been reported in the literature in individuals affected with MET-related conditions. Invitae Evidence Modeling of protein sequence and biophysical properties (such as structural, functional, and spatial information, amino acid conservation, physicochemical variation, residue mobility, and thermodynamic stability) indicates that this missense variant is not expected to disrupt MET protein function with a negative predictive value of 80%. In summary, the available evidence is currently insufficient to determine the role of this variant in disease. Therefore, it has been classified as a Variant of Uncertain Significance.

NM_000245.4(MET):c.1631A>G (p.Lys544Arg)

Gene: MET (MET proto-oncogene, receptor tyrosine kinase; plus strand). Cytogenetic location: 7q31.2.
Variant type: single nucleotide variant.
Coding change: c.1631A>G on transcript NM_000245.4 (MANE Select); coding-DNA position 1631, A replaced by G.
Protein change: p.Lys544Arg; replaces lysine 544 with arginine.
Molecular consequence: missense variant.
Genome position (GRCh38, 1-based): chr7:116,740,955, A>G. VCF-style: chr7-116740955-A-G. GRCh37 (hg19) VCF-style: chr7-116381009-A-G.
Other names: c.1631A>G, p.Lys544Arg (NM_001127500.3, NM_001324401.3); c.341A>G, p.Lys114Arg (NM_001324402.2); short protein forms K114R, K544R.
Identifiers: ClinVar variation 4799480 (VCV004799480.1).